The following is an entry in ClinVar:

ClinVar aggregate classification (germline): Uncertain significance (1 of 4 stars; one submission).

Conditions:
Saldino-Mainzer syndrome (SRTD9). Also called: Renal dysplasia, retinal pigmentary dystrophy, cerebellar ataxia and skeletal dysplasia; CONORENAL SYNDROME; SHORT-RIB THORACIC DYSPLASIA 9 WITHOUT POLYDACTYLY; short-rib thoracic dysplasia 9 with or without polydactyly. Identifiers: Orphanet 140969, MedGen C1849437, MONDO:0009964, OMIM 266920.

Allele frequency attached by ClinVar (database versions not stated): gnomAD exomes below 0.00001; TOPMed below 0.00001; gnomAD 0.00001.
gnomAD v4.1: 3 of 1,609,844 alleles (0.00019%); highest among the groups gnomAD compares: African/African-American, 0.004%; no homozygotes.

Submission:

Labcorp Genetics (formerly Invitae), Labcorp
Classification: Uncertain significance for Saldino-Mainzer syndrome. Last evaluated: 2022-08-23. Review status: criteria provided, single submitter. Criteria: Invitae Variant Classification Sherloc (09022015). Collection method: clinical testing. Allele origin: germline.
Comment: This sequence change falls in intron 30 of the IFT140 gene. It does not directly change the encoded amino acid sequence of the IFT140 protein. It affects a nucleotide within the consensus splice site. This variant is present in population databases (no rsID available, gnomAD 0.008%). This variant has not been reported in the literature in individuals affected with IFT140-related conditions. ClinVar contains an entry for this variant (Variation ID: 1444745). Variants that disrupt the consensus splice site are a relatively common cause of aberrant splicing (PMID: 17576681, 9536098). Algorithms developed to predict the effect of sequence changes on RNA splicing suggest that this variant may disrupt the consensus splice site. In summary, the available evidence is currently insufficient to determine the role of this variant in disease. Therefore, it has been classified as a Variant of Uncertain Significance.

Literature cited by the submitters: PubMed 17576681; PubMed 9536098.

NM_014714.4(IFT140):c.4182+4A>C

Gene: IFT140 (intraflagellar transport 140; minus strand). Cytogenetic location: 16p13.3.
Variant type: single nucleotide variant.
Coding change: c.4182+4A>C on transcript NM_014714.4 (MANE Select); 4 bases into the intron after coding-DNA position 4182, A replaced by C.
Molecular consequence: intron variant.
Genome position (GRCh38, 1-based): chr16:1,518,212, T>G on the plus strand (A>C on the coding strand, the complement: IFT140 is on the minus strand). VCF-style: chr16-1518212-T-G. GRCh37 (hg19) VCF-style: chr16-1568213-T-G.
Identifiers: ClinVar variation 1444745 (VCV001444745.6), dbSNP rs1439771269, ClinGen allele CA620701241.
Genomic context (GRCh38, chr16:1,518,212, plus strand): 5'-TAAGCCTTCGTTTCAGGAGCCTTGTGTGGCGGGATGCTGCTAGTGAGCAGCACTCAGGCC[T>G]CACCGTCTGGTATTCCTCCTTCCGCACGTAGTGCTCCACCAGGAAGCCATAGACGTCCCC-3'